The following is an entry in ClinVar:

NM_001042492.3(NF1):c.8087C>G (p.Pro2696Arg)

Gene: NF1 (neurofibromin 1; plus strand). Cytogenetic location: 17q11.2.
Variant type: single nucleotide variant.
Coding change: c.8087C>G on transcript NM_001042492.3 (MANE Select); coding-DNA position 8087, C replaced by G.
Protein change: p.Pro2696Arg; replaces proline 2696 with arginine.
Molecular consequence: missense variant.
Genome position (GRCh38, 1-based): chr17:31,358,596, C>G. VCF-style: chr17-31358596-C-G. GRCh37 (hg19) VCF-style: chr17-29685614-C-G.
Other names: c.8024C>G, p.Pro2675Arg (NM_000267.4); short protein forms P2696R, P2675R.
Identifiers: ClinVar variation 827402 (VCV000827402.4), dbSNP rs1597868252, ClinGen allele CA399203925.

ClinVar aggregate classification (germline): Uncertain significance (1 of 4 stars; one submission).

Conditions:
Hereditary cancer-predisposing syndrome. Also called: Neoplastic Syndromes, Hereditary; Tumor predisposition; Hereditary neoplastic syndrome; Hereditary Cancer Syndrome. Identifiers: Orphanet 140162, MedGen C0027672, MeSH D009386, MONDO:0015356.
Cardiovascular phenotype. Identifiers: MedGen CN230736.

Submission:

Ambry Genetics
Classification: Uncertain significance for Cardiovascular phenotype; Hereditary cancer-predisposing syndrome. Last evaluated: 2019-11-21. Review status: criteria provided, single submitter. Criteria: Ambry Variant Classification Scheme 2023. Collection method: clinical testing. Allele origin: germline.
Comment: The p.P2675R variant (also known as c.8024C>G), located in coding exon 54 of the NF1 gene, results from a C to G substitution at nucleotide position 8024. The proline at codon 2675 is replaced by arginine, an amino acid with dissimilar properties. This amino acid position is well conserved in available vertebrate species. In addition, this alteration is predicted to be tolerated by in silico analysis. Since supporting evidence is limited at this time, the clinical significance of this alteration remains unclear.